The following is an entry in ClinVar:

ClinVar aggregate classification (germline): Uncertain significance. Review status: criteria provided, multiple submitters, no conflicts (2 of 4 stars). 5 submissions from 5 submitters: Uncertain significance (3). 2 of the submissions do not count toward it. Last evaluated 2024-11-06.

Conditions:
PEX6-related disorder. Also called: PEX6-related condition; PEX6-related disorders.
Peroxisome biogenesis disorder. Identifiers: Orphanet 79189, MedGen C1832200, MONDO:0019234. Disease mechanism: loss of function.
Zellweger spectrum disorders (ZS). Also called: Zellweger Spectrum Disorder; Zellweger Spectrum; Zellweger Spectrum Disorder (ZSD); Zellweger syndrome. Identifiers: Orphanet 912, MedGen C0043459, MONDO:0019609.

Allele frequency attached by ClinVar (database versions not stated): ExAC 0.00006; gnomAD exomes 0.00007 and 0.00011; TOPMed 0.00009; gnomAD 0.00010 and 0.00011.
gnomAD v4.1: 177 of 1,614,098 alleles (0.011%); highest among the groups gnomAD compares: Non-Finnish European, 0.014%; no homozygotes.

Submissions (5):

Blueprint Genetics
Classification: Uncertain significance. Last evaluated: 2024-11-06. Review status: criteria provided, single submitter. Criteria: ACMG Guidelines, 2015. Collection method: clinical testing. Allele origin: germline.

Labcorp Genetics (formerly Invitae), Labcorp
Classification: Uncertain significance for Peroxisome biogenesis disorder. Last evaluated: 2024-10-29. Review status: criteria provided, single submitter. Criteria: Invitae Variant Classification Sherloc (09022015). Collection method: clinical testing. Allele origin: germline.
Comment: This sequence change replaces proline, which is neutral and non-polar, with arginine, which is basic and polar, at codon 247 of the PEX6 protein (p.Pro247Arg). This variant is present in population databases (rs199697021, gnomAD 0.01%). This variant has not been reported in the literature in individuals affected with PEX6-related conditions. ClinVar contains an entry for this variant (Variation ID: 595555). An algorithm developed to predict the effect of missense changes on protein structure and function (PolyPhen-2) suggests that this variant¬†is likely to be tolerated. In summary, the available evidence is currently insufficient to determine the role of this variant in disease. Therefore, it has been classified as a Variant of Uncertain Significance.

Eurofins Ntd Llc (ga)
Classification: Uncertain significance. Last evaluated: 2017-12-26. Review status: criteria provided, single submitter. Criteria: EGL Classification Definitions 2015. Collection method: clinical testing. Allele origin: germline. Observed: 1 variant allele, 1 heterozygote.

PreventionGenetics, part of Exact Sciences
Classification: Uncertain significance for PEX6-related condition. Last evaluated: 2024-08-06. Review status: no assertion criteria provided. Collection method: clinical testing. Allele origin: germline. Not counted in ClinVar's aggregate classification.
Comment: The PEX6 c.740C>G variant is predicted to result in the amino acid substitution p.Pro247Arg. To our knowledge, this variant has not been reported in the literature. This variant is reported in 0.015% of alleles in individuals of European (Non-Finnish) descent in gnomAD. At this time, the clinical significance of this variant is uncertain due to the absence of conclusive functional and genetic evidence.

Natera, Inc.
Classification: Uncertain significance for Zellweger syndrome. Last evaluated: 2020-01-14. Review status: no assertion criteria provided. Collection method: clinical testing. Allele origin: germline. Not counted in ClinVar's aggregate classification.

NM_000287.4(PEX6):c.740C>G (p.Pro247Arg)

Gene: PEX6 (peroxisomal biogenesis factor 6; minus strand). Cytogenetic location: 6p21.1.
Variant type: single nucleotide variant.
Coding change: c.740C>G on transcript NM_000287.4 (MANE Select); coding-DNA position 740, C replaced by G.
Protein change: p.Pro247Arg; replaces proline 247 with arginine.
Molecular consequence: missense variant. On other transcripts: non-coding transcript variant (1), intron variant (1).
Genome position (GRCh38, 1-based): chr6:42,978,411, G>C on the plus strand (C>G on the coding strand, the complement: PEX6 is on the minus strand). VCF-style: chr6-42978411-G-C. GRCh37 (hg19) VCF-style: chr6-42946149-G-C.
Other names: c.618+122C>G (NM_001316313.2); short protein forms P247R.
Identifiers: ClinVar variation 595555 (VCV000595555.12), dbSNP rs199697021, ClinGen allele CA3811574.